The following is an entry in ClinVar:

NM_033028.5(BBS4):c.1083C>T (p.Tyr361=)

Gene: BBS4 (Bardet-Biedl syndrome 4; plus strand). Cytogenetic location: 15q24.1.
Variant type: single nucleotide variant.
Coding change: c.1083C>T on transcript NM_033028.5 (MANE Select); coding-DNA position 1083, C replaced by T.
Protein change: p.Tyr361=; no amino-acid change (tyrosine 361 retained).
Molecular consequence: synonymous variant. On other transcripts: non-coding transcript variant (2).
Genome position (GRCh38, 1-based): chr15:72,735,159, C>T. VCF-style: chr15-72735159-C-T. GRCh37 (hg19) VCF-style: chr15-73027500-C-T.
Other names: c.567C>T, p.Tyr189= (NM_001252678.2); c.1014C>T, p.Tyr338= (NM_001320665.2).
Identifiers: ClinVar variation 885499 (VCV000885499.15), dbSNP rs749282837, ClinGen allele CA7646883.

ClinVar aggregate classification (germline): Conflicting classifications of pathogenicity. Review status: criteria provided, conflicting classifications (1 of 4 stars). 4 submissions from 4 submitters: Uncertain significance (1); Likely benign (2). 1 of the submissions does not count toward it. Last evaluated 2025-12-23.

Conditions:
BBS4-related disorder. Also called: BBS4-related condition.
Bardet-Biedl syndrome (BBS). Identifiers: Orphanet 110, MedGen C0752166, MONDO:0015229.
Bardet-Biedl syndrome 4 (BBS4). Identifiers: Orphanet 110, MedGen C2936864, MONDO:0014433, OMIM 615982.

Allele frequency attached by ClinVar (database versions not stated): gnomAD 0.00006; TOPMed 0.00006.
gnomAD v4.1: 51 of 1,613,722 alleles (0.0032%); highest among the groups gnomAD compares: Admixed American, 0.018%; no homozygotes.

Submissions (4):

Labcorp Genetics (formerly Invitae), Labcorp
Classification: Likely benign for Bardet-Biedl syndrome. Last evaluated: 2025-12-23. Review status: criteria provided, single submitter. Criteria: Invitae Variant Classification Sherloc (09022015). Collection method: clinical testing. Allele origin: germline.

Blueprint Genetics
Classification: Likely benign. Last evaluated: 2022-12-23. Review status: criteria provided, single submitter. Criteria: ACMG Guidelines, 2015. Collection method: clinical testing. Allele origin: germline.

Illumina Laboratory Services, Illumina
Classification: Uncertain significance for Bardet-Biedl syndrome 4. Last evaluated: 2018-01-13. Review status: criteria provided, single submitter. Criteria: ICSL Variant Classification Criteria 13 December 2019. Collection method: clinical testing. Allele origin: germline.

PreventionGenetics, part of Exact Sciences
Classification: Likely benign for BBS4-related condition. Last evaluated: 2019-03-08. Review status: no assertion criteria provided. Collection method: clinical testing. Allele origin: germline. Not counted in ClinVar's aggregate classification.
Comment: This variant is classified as likely benign based on ACMG/AMP sequence variant interpretation guidelines (Richards et al. 2015 PMID: 25741868, with internal and published modifications).